The following is an entry in ClinVar:

ClinVar aggregate classification (germline): Uncertain significance (1 of 4 stars; one submission).

Conditions:
Inborn genetic diseases. Identifiers: MedGen C0950123, MeSH D030342.

gnomAD v4.1: 2 of 1,604,392 alleles (0.00012%); highest among the groups gnomAD compares: Non-Finnish European, 0.00017%; no homozygotes.

Submission:

Ambry Genetics
Classification: Uncertain significance for Inborn genetic diseases. Last evaluated: 2026-06-09. Review status: criteria provided, single submitter. Criteria: Ambry Variant Classification Scheme 2023. Collection method: clinical testing. Allele origin: germline.
Comment: The p.E649K variant (also known as c.1945G>A), located in coding exon 13 of the MIB1 gene, results from a G to A substitution at nucleotide position 1945. The glutamic acid at codon 649 is replaced by lysine, an amino acid with similar properties. This amino acid position is conserved. In addition, the in silico prediction for this alteration is inconclusive. Based on the available evidence, the clinical significance of this variant remains unclear.

NM_020774.4(MIB1):c.1945G>A (p.Glu649Lys)

Gene: MIB1 (MIB E3 ubiquitin protein ligase 1; plus strand). Cytogenetic location: 18q11.2.
Variant type: single nucleotide variant.
Coding change: c.1945G>A on transcript NM_020774.4 (MANE Select); coding-DNA position 1945, G replaced by A.
Protein change: p.Glu649Lys; replaces glutamic acid 649 with lysine.
Molecular consequence: missense variant.
Genome position (GRCh38, 1-based): chr18:21,838,480, G>A. VCF-style: chr18-21838480-G-A. GRCh37 (hg19) VCF-style: chr18-19418441-G-A.
Other names: short protein forms E649K.
Identifiers: ClinVar variation 4860034 (VCV004860034.1).